The following is an entry in ClinVar:

NM_000365.6(TPI1):c.694G>A (p.Val232Met)

Gene: TPI1 (triosephosphate isomerase 1; plus strand). Cytogenetic location: 12p13.31.
Variant type: single nucleotide variant.
Coding change: c.694G>A on transcript NM_000365.6 (MANE Select); coding-DNA position 694, G replaced by A.
Protein change: p.Val232Met; replaces valine 232 with methionine.
Molecular consequence: missense variant.
Genome position (GRCh38, 1-based): chr12:6,870,327, G>A. VCF-style: chr12-6870327-G-A. GRCh37 (hg19) VCF-style: chr12-6979491-G-A.
Other names: c.805G>A, p.Val269Met (NM_001159287.1); c.448G>A, p.Val150Met (NM_001258026.2); short protein forms V150M, V232M, V269M.
Identifiers: ClinVar variation 1526032 (VCV001526032.1), dbSNP rs1555132614, ClinGen allele CA383713897.

ClinVar aggregate classification (germline): Uncertain significance (1 of 4 stars; one submission).

Conditions:
Triosephosphate isomerase deficiency (TPID). Also called: Triose phosphate isomerase deficiency. Identifiers: Orphanet 868, MedGen C1860808, MONDO:0014221, OMIM 615512.

Allele frequency attached by ClinVar (database versions not stated): gnomAD exomes below 0.00001.
gnomAD v4.1: 1 of 1,614,170 alleles (0.000062%); highest among the groups gnomAD compares: Non-Finnish European, 0.000085%; no homozygotes.

Submission:

3billion
Classification: Uncertain significance for Triosephosphate isomerase deficiency. Last evaluated: 2022-03-22. Review status: criteria provided, single submitter. Criteria: ACMG Guidelines, 2015. Collection method: clinical testing. Allele origin: germline. Affected: yes. Observed: 1 homozygote.
Comment: Same nucleotide change resulting in same amino acid change has been previously reported to be associated with TPI1 related disorder (PMID:8579052). In silico tool predictions suggest damaging effect of the variant on gene or gene product(REVEL: 0.888>=0.6). A missense variant is a common mechanism . The variant is observed at an extremely low frequency in the gnomAD v2.1.1 dataset (total allele frequency: 0.000004). Therefore, this variant is classified as uncertain significance according to the recommendation of ACMG/AMP guideline.

Literature cited by the submitters: PubMed 8579052.